The following is an entry in ClinVar:

ClinVar aggregate classification (germline): Likely pathogenic (1 of 4 stars; one submission).

Conditions:
Mucopolysaccharidosis, MPS-I-H/S. Also called: Mucopolysaccharidosis type IH/S. Identifiers: Orphanet 93476, MedGen C0086431, MONDO:0011759, OMIM 607015.

Submission:

Myriad Genetics, Inc.
Classification: Likely pathogenic for Mucopolysaccharidosis, MPS-I-H/S. Last evaluated: 2019-03-15. Review status: criteria provided, single submitter. Criteria: Myriad Women's Health Autosomal Recessive and X-Linked Classification Criteria (2019). Collection method: clinical testing. Allele origin: unknown.
Comment: NM_000203.3(IDUA):c.1461G>A(W487*) is expected to be pathogenic in the context of mucopolysaccharidosis type I. This variant is predicted to lead to an abnormal or absent protein product due to the creation of a premature termination codon in IDUA, a gene where loss-of-function variants are known to be pathogenic. Please note: this variant was assessed in the context of healthy population screening.

NM_000203.5(IDUA):c.1461G>A (p.Trp487Ter)

Gene: IDUA (alpha-L-iduronidase; plus strand). Cytogenetic location: 4p16.3.
Variant type: single nucleotide variant.
Coding change: c.1461G>A on transcript NM_000203.5 (MANE Select); coding-DNA position 1461, G replaced by A.
Protein change: p.Trp487Ter; replaces tryptophan 487 with a stop codon.
Molecular consequence: nonsense. On other transcripts: non-coding transcript variant (1).
Genome position (GRCh38, 1-based): chr4:1,003,094, G>A. VCF-style: chr4-1003094-G-A. GRCh37 (hg19) VCF-style: chr4-996882-G-A.
Other names: c.1065G>A, p.Trp355Ter (NM_001363576.1); short protein forms W355*, W487*.
Identifiers: ClinVar variation 983617 (VCV000983617.3), dbSNP rs1715210435, ClinGen allele CA355964640.
Genomic context (GRCh38, chr4:1,003,094, plus strand): 5'-AGGCCTGGTCTACGTCACGCGCTACCTGGACAACGGGCTCTGCAGCCCCGACGGCGAGTG[G>A]CGGCGCCTGGGCCGGCCCGTCTTCCCCACGGCAGAGCAGTTCCGGCGCATGCGCGCGGCT-3'